The following is an entry in ClinVar:

NC_012920.1(MT-CYB):m.14783T>C

Genes: MT-TT (mitochondrially encoded tRNA threonine; plus strand), MT-CYB (mitochondrially encoded cytochrome b; plus strand).
Variant type: single nucleotide variant.
Genome position: chrM-14783-T-C.
Identifiers: ClinVar variation 140588 (VCV000140588.5), dbSNP rs193302982, ClinGen allele CA345704.

ClinVar aggregate classification (germline): Benign. Review status: criteria provided, multiple submitters, no conflicts (2 of 4 stars). 3 submissions from 3 submitters: Benign (2). 1 of the submissions does not count toward it. Last evaluated 2025-02-16.

Conditions:
Familial cancer of breast. Also called: BREAST CANCER, FAMILIAL; Hereditary breast cancer; hereditary breast carcinoma. Identifiers: Orphanet 227535, MedGen C0346153, MONDO:0016419, OMIM 114480. Disease mechanism: loss of function.

Submissions (3):

Laboratory of Genetics, Children's Clinical University Hospital Latvia
Classification: Benign. Last evaluated: 2025-02-16. Review status: criteria provided, single submitter. Criteria: ACMG Guidelines, 2015. Collection method: clinical testing. Allele origin: germline. Affected: yes.

Ophthalmic Genetics Group, Institute of Molecular and Clinical Ophthalmology Basel
Classification: Benign for Familial cancer of breast. Last evaluated: 2023-08-29. Review status: criteria provided, single submitter. Criteria: ACMG Guidelines, 2015. Collection method: curation. Allele origin: unknown.
Comment: Clinical significance based on ACMG v2.0

This variant was classified as Benign based on ACMG criteria: BA1.

Department of Zoology Govt. MVM College
Classification: Likely pathogenic for Familial cancer of breast. Review status: no assertion criteria provided. Collection method: not provided. Allele origin: unknown. Not counted in ClinVar's aggregate classification.
Comment: Our Seq: KM077020
ClinVar note: Converted during submission from probable-pathogenic to Likely pathogenic.